The following is an entry in ClinVar:

NM_014795.4(ZEB2):c.917G>A (p.Gly306Asp)

Gene: ZEB2 (zinc finger E-box binding homeobox 2; minus strand). Cytogenetic location: 2q22.3.
Variant type: single nucleotide variant.
Coding change: c.917G>A on transcript NM_014795.4 (MANE Select); coding-DNA position 917, G replaced by A.
Protein change: p.Gly306Asp; replaces glycine 306 with aspartic acid.
Molecular consequence: missense variant.
Genome position (GRCh38, 1-based): chr2:144,400,270, C>T on the plus strand (G>A on the coding strand, the complement: ZEB2 is on the minus strand). VCF-style: chr2-144400270-C-T. GRCh37 (hg19) VCF-style: chr2-145157837-C-T.
Other names: c.845G>A, p.Gly282Asp (NM_001171653.2); short protein forms G282D, G306D.
Identifiers: ClinVar variation 985660 (VCV000985660.14), dbSNP rs1703292916, ClinGen allele CA348713432.

ClinVar aggregate classification (germline): Conflicting classifications of pathogenicity. Review status: criteria provided, conflicting classifications (1 of 4 stars). 4 submissions from 4 submitters: Likely pathogenic (1); Uncertain significance (3). Last evaluated 2021-11-07.

Conditions:
Mowat-Wilson syndrome (MOWS). Also called: Classic Mowat-Wilson Syndrome. Identifiers: Orphanet 2152, MedGen C1856113, MONDO:0009341, OMIM 235730.
Inborn genetic diseases. Identifiers: MedGen C0950123, MeSH D030342.

Submissions (4):

Genome-Nilou Lab
Classification: Uncertain significance for Mowat-Wilson syndrome. Last evaluated: 2021-11-07. Review status: criteria provided, single submitter. Criteria: ACMG Guidelines, 2015. Collection method: clinical testing. Allele origin: germline. Affected: no.

Labcorp Genetics (formerly Invitae), Labcorp
Classification: Likely pathogenic for Mowat-Wilson syndrome. Last evaluated: 2021-07-28. Review status: criteria provided, single submitter. Criteria: Invitae Variant Classification Sherloc (09022015). Collection method: clinical testing. Allele origin: germline.
Comment: In summary, the currently available evidence indicates that the variant is pathogenic, but additional data are needed to prove that conclusively. Therefore, this variant has been classified as Likely Pathogenic. Algorithms developed to predict the effect of sequence changes on RNA splicing suggest that this variant may disrupt the consensus splice site. Algorithms developed to predict the effect of missense changes on protein structure and function (SIFT, PolyPhen-2, Align-GVGD) all suggest that this variant is likely to be disruptive. ClinVar contains an entry for this variant (Variation ID: 985660). This variant has been observed in individual(s) with clinical features of Mowat-Wilson syndrome (Invitae). In at least one individual the variant was observed to be de novo. This variant is not present in population databases (ExAC no frequency). This sequence change replaces glycine with aspartic acid at codon 306 of the ZEB2 protein (p.Gly306Asp). The glycine residue is highly conserved and there is a moderate physicochemical difference between glycine and aspartic acid.

Ambry Genetics
Classification: Uncertain significance for Inborn genetic diseases. Last evaluated: 2019-09-18. Review status: criteria provided, single submitter. Criteria: Ambry exome assertion method (8-5-2015). Collection method: clinical testing. Allele origin: germline. Affected: yes. Observed: 1 variant allele.

Baylor Genetics
Classification: Uncertain significance for Mowat-Wilson syndrome. Last evaluated: 2019-04-10. Review status: criteria provided, single submitter. Criteria: ACMG Guidelines, 2015. Collection method: clinical testing. Allele origin: de novo. Affected: yes.
Comment: This variant was determined to be of uncertain significance according to ACMG Guidelines, 2015 [PMID:25741868].